The following is an entry in ClinVar:

ClinVar aggregate classification (germline): Uncertain significance (1 of 4 stars; one submission).

gnomAD v4.1: 4 of 1,611,540 alleles (0.00025%); highest among the groups gnomAD compares: Admixed American, 0.0067%; no homozygotes.

Submission:

GeneDx
Classification: Uncertain significance. Last evaluated: 2024-03-15. Review status: criteria provided, single submitter. Criteria: GeneDx Variant Classification Process June 2021. Collection method: clinical testing. Allele origin: germline. Affected: yes.
Comment: In silico analysis supports that this missense variant has a deleterious effect on protein structure/function; Has not been previously published as pathogenic or benign to our knowledge

NM_001378414.1(HDAC4):c.1751G>A (p.Gly584Asp)

Gene: HDAC4 (histone deacetylase 4; minus strand). Cytogenetic location: 2q37.3.
Variant type: single nucleotide variant.
Coding change: c.1751G>A on transcript NM_001378414.1 (MANE Select); coding-DNA position 1751, G replaced by A.
Protein change: p.Gly584Asp; replaces glycine 584 with aspartic acid.
Molecular consequence: missense variant.
Genome position (GRCh38, 1-based): chr2:239,115,093, C>T on the plus strand (G>A on the coding strand, the complement: HDAC4 is on the minus strand). VCF-style: chr2-239115093-C-T. GRCh37 (hg19) VCF-style: chr2-240036789-C-T.
Other names: c.1751G>A, p.Gly584Asp (NM_001378415.1); c.1736G>A, p.Gly579Asp (NM_001378416.1, NM_001378417.1, NM_006037.4); short protein forms G579D, G584D.
Identifiers: ClinVar variation 3370975 (VCV003370975.1).
Genomic context (GRCh38, chr2:239,115,093, plus strand): 5'-CCCTCCCCGCCTGCGGTCACCTGTCTGAAGAGCAGCTCCTGCTCACTGGGCTGGCGCTGG[C>T]CCGGCTCCACCTCCCGTGGGGGCTCTGCCTCTTCCTCATCGCTCTCAATGGGCTCCTGCT-3'
Protein context (NP_001365343.1, residues 574-594): EAEPPREVEP[Gly584Asp]QRQPSEQELL